The following is an entry in ClinVar:

ClinVar aggregate classification (germline): Likely benign. Review status: criteria provided, multiple submitters, no conflicts (2 of 4 stars). 4 submissions from 4 submitters: Likely benign (4). Last evaluated 2025-12-01.

Conditions:
Developmental and epileptic encephalopathy, 1 (DEE1). Also called: X-linked infantile spasms; West's syndrome; Tonic spasms with clustering, arrest of psychomotor development and hypsarrhythmia on EEG; X-Linked Infantile Spasm Syndrome; Epileptic encephalopathy, early infantile, 1; OHTAHARA SYNDROME, X-LINKED. Identifiers: MedGen C3463992, MONDO:0010632, OMIM 308350. Disease mechanism: loss of function.
Autosomal dominant nonsyndromic hearing loss 65. Also called: Deafness, autosomal dominant 65; TBC1D24-Related Autosomal Dominant Nonsyndromic Hearing Loss (DFNA). Identifiers: Orphanet 90635, MedGen C3892048, MONDO:0014470, OMIM 616044.

Allele frequency attached by ClinVar (database versions not stated): ExAC 0.00001; TOPMed 0.00002; gnomAD 0.00003.
gnomAD v4.1: 34 of 1,613,232 alleles (0.0021%); highest among the groups gnomAD compares: African/African-American, 0.008%; no homozygotes.

Submissions (4):

CeGaT Center for Human Genetics Tuebingen
Classification: Likely benign. Last evaluated: 2025-12-01. Review status: criteria provided, single submitter. Criteria: CeGaT Center For Human Genetics Tuebingen Variant Classification Criteria Version 2. Collection method: clinical testing. Allele origin: germline. Affected: yes. Observed: 1 variant allele.
Comment: TBC1D24: BP4, BP7

Labcorp Genetics (formerly Invitae), Labcorp
Classification: Likely benign for Developmental and epileptic encephalopathy, 1; Autosomal dominant nonsyndromic hearing loss 65. Last evaluated: 2025-11-24. Review status: criteria provided, single submitter. Criteria: Invitae Variant Classification Sherloc (09022015). Collection method: clinical testing. Allele origin: germline.

Blueprint Genetics
Classification: Likely benign. Last evaluated: 2024-11-01. Review status: criteria provided, single submitter. Criteria: ACMG Guidelines, 2015. Collection method: clinical testing. Allele origin: germline.

GeneDx
Classification: Likely benign. Last evaluated: 2017-12-14. Review status: criteria provided, single submitter. Criteria: GeneDx Variant Classification (06012015). Collection method: clinical testing. Allele origin: germline. Affected: yes.
Comment: This variant is considered likely benign or benign based on one or more of the following criteria: it is a conservative change, it occurs at a poorly conserved position in the protein, it is predicted to be benign by multiple in silico algorithms, and/or has population frequency not consistent with disease.

NM_001199107.2(TBC1D24):c.225C>T (p.Ser75=)

Gene: TBC1D24 (TBC1 domain family member 24; plus strand). Cytogenetic location: 16p13.3.
Variant type: single nucleotide variant.
Coding change: c.225C>T on transcript NM_001199107.2 (MANE Select); coding-DNA position 225, C replaced by T.
Protein change: p.Ser75=; no amino-acid change (serine 75 retained).
Molecular consequence: synonymous variant.
Genome position (GRCh38, 1-based): chr16:2,496,373, C>T. VCF-style: chr16-2496373-C-T. GRCh37 (hg19) VCF-style: chr16-2546374-C-T.
Other names: c.225C>T, p.Ser75= (NM_020705.3).
Identifiers: ClinVar variation 514051 (VCV000514051.16), dbSNP rs201220026, ClinGen allele CA7843956.
Genomic context (GRCh38, chr16:2,496,373, plus strand): 5'-CCAGCGCCTGATCCGGGACATTCCCTGCCGCACGGTCACGCCTGACGCCAGCGTGTACAG[C>T]GACATCGTGGGCAAGATCGTGGGCAAGCACAGCAGCAGCTGCCTGCCGCTGCCCGAGTTC-3'
Protein context (NP_001186036.1, residues 65-85): RTVTPDASVY[Ser75=]DIVGKIVGKH